The following is an entry in ClinVar:

ClinVar aggregate classification (germline): Uncertain significance (1 of 4 stars; one submission).

Conditions:
Charcot-Marie-Tooth disease, type I (CMT1). Also called: Charcot-Marie-Tooth disease type 1; Charcot-Marie-Tooth, Type 1. Identifiers: Orphanet 65753, MedGen C0751036, MONDO:0019011.

Allele frequency attached by ClinVar (database versions not stated): gnomAD 0.00001; TOPMed 0.00001; gnomAD exomes 0.00002; ESP Exome Variant Server 0.00008.
gnomAD v4.1: 25 of 1,612,672 alleles (0.0016%); highest among the groups gnomAD compares: Non-Finnish European, 0.0021%; no homozygotes.

Submission:

Labcorp Genetics (formerly Invitae), Labcorp
Classification: Uncertain significance for Charcot-Marie-Tooth disease, type I. Last evaluated: 2026-01-26. Review status: criteria provided, single submitter. Criteria: Invitae Variant Classification Sherloc (09022015). Collection method: clinical testing. Allele origin: germline.
Comment: This sequence change replaces isoleucine, which is neutral and non-polar, with valine, which is neutral and non-polar, at codon 361 of the EGR2 protein (p.Ile361Val). This variant is not present in population databases (gnomAD no frequency). This variant has not been reported in the literature in individuals affected with EGR2-related conditions. ClinVar contains an entry for this variant (Variation ID: 948926). Invitae Evidence Modeling of protein sequence and biophysical properties (such as structural, functional, and spatial information, amino acid conservation, physicochemical variation, residue mobility, and thermodynamic stability) indicates that this missense variant is not expected to disrupt EGR2 protein function with a negative predictive value of 80%. In summary, the available evidence is currently insufficient to determine the role of this variant in disease. Therefore, it has been classified as a Variant of Uncertain Significance.

NM_000399.5(EGR2):c.1081A>G (p.Ile361Val)

Gene: EGR2 (early growth response 2; minus strand). Cytogenetic location: 10q21.3.
Variant type: single nucleotide variant.
Coding change: c.1081A>G on transcript NM_000399.5 (MANE Select); coding-DNA position 1081, A replaced by G.
Protein change: p.Ile361Val; replaces isoleucine 361 with valine.
Molecular consequence: missense variant.
Genome position (GRCh38, 1-based): chr10:62,813,557, T>C on the plus strand (A>G on the coding strand, the complement: EGR2 is on the minus strand). VCF-style: chr10-62813557-T-C. GRCh37 (hg19) VCF-style: chr10-64573317-T-C.
Other names: c.1081A>G, p.Ile361Val (NM_001136177.3, NM_001136178.2); c.931A>G, p.Ile311Val (NM_001136179.3, NM_001321037.2); short protein forms I311V, I361V.
Identifiers: ClinVar variation 948926 (VCV000948926.8), dbSNP rs147417827, ClinGen allele CA208351300.